The following is an entry in ClinVar:

ClinVar aggregate classification (germline): Uncertain significance. Review status: criteria provided, multiple submitters, no conflicts (2 of 4 stars). 2 submissions from 2 submitters: Uncertain significance (2). Last evaluated 2022-08-19.

Conditions:
Familial hyperaldosteronism type II. Also called: FH II. Identifiers: Orphanet 404, MedGen C1854107, MONDO:0011576, OMIM 605635.
Leukoencephalopathy with mild cerebellar ataxia and white matter edema (LKPAT). Also called: CLCN2-Related Leukoencephalopathy; Leukoencephalopathy with ataxia; Leukoencephalopathy with white matter edema; Brain white matter edema. Identifiers: Orphanet 363540, MedGen C4554120, MONDO:0014292, OMIM 615651. Disease mechanism: loss of function.
Epilepsy, idiopathic generalized, susceptibility to, 11 (EIG11). Identifiers: Orphanet 307, MedGen C2750893, MONDO:0011875, OMIM 607628.

Submissions (2):

Labcorp Genetics (formerly Invitae), Labcorp
Classification: Uncertain significance. Last evaluated: 2022-08-19. Review status: criteria provided, single submitter. Criteria: Invitae Variant Classification Sherloc (09022015). Collection method: clinical testing. Allele origin: germline.
Comment: This sequence change replaces tyrosine, which is neutral and polar, with histidine, which is basic and polar, at codon 564 of the CLCN2 protein (p.Tyr564His). This variant is not present in population databases (gnomAD no frequency). This variant has not been reported in the literature in individuals affected with CLCN2-related conditions. ClinVar contains an entry for this variant (Variation ID: 1505664). Advanced modeling of protein sequence and biophysical properties (such as structural, functional, and spatial information, amino acid conservation, physicochemical variation, residue mobility, and thermodynamic stability) performed at Invitae indicates that this missense variant is expected to disrupt CLCN2 protein function. In summary, the available evidence is currently insufficient to determine the role of this variant in disease. Therefore, it has been classified as a Variant of Uncertain Significance.

Fulgent Genetics
Classification: Uncertain significance for Familial hyperaldosteronism type II; Epilepsy, idiopathic generalized, susceptibility to, 11; Leukoencephalopathy with mild cerebellar ataxia and white matter edema. Last evaluated: 2022-03-16. Review status: criteria provided, single submitter. Criteria: ACMG Guidelines, 2015. Collection method: clinical testing. Allele origin: unknown.

NM_004366.6(CLCN2):c.1690T>C (p.Tyr564His)

Gene: CLCN2 (chloride voltage-gated channel 2; minus strand). Cytogenetic location: 3q27.1.
Variant type: single nucleotide variant.
Coding change: c.1690T>C on transcript NM_004366.6 (MANE Select); coding-DNA position 1690, T replaced by C.
Protein change: p.Tyr564His; replaces tyrosine 564 with histidine.
Molecular consequence: missense variant.
Genome position (GRCh38, 1-based): chr3:184,354,132, A>G on the plus strand (T>C on the coding strand, the complement: CLCN2 is on the minus strand). VCF-style: chr3-184354132-A-G. GRCh37 (hg19) VCF-style: chr3-184071920-A-G.
Other names: c.1639T>C, p.Tyr547His (NM_001171087.3); c.1558T>C, p.Tyr520His (NM_001171088.3); c.1690T>C, p.Tyr564His (NM_001171089.3); short protein forms Y564H, Y547H, Y520H.
Identifiers: ClinVar variation 1505664 (VCV001505664.4), dbSNP rs1728346222, ClinGen allele CA355449480.